The following is an entry in ClinVar:

ClinVar aggregate classification (germline): Likely benign (0 of 4 stars; one submission).

Conditions:
STKLD1-related disorder. Also called: STKLD1-related condition.

Allele frequency attached by ClinVar (database versions not stated): gnomAD exomes 0.00007; ExAC 0.00023; ESP Exome Variant Server 0.00023; gnomAD 0.00066; TOPMed 0.00088; 1000 Genomes Project 0.00120; 1000 Genomes Project 30x 0.00156.

Submission:

PreventionGenetics, part of Exact Sciences
Classification: Likely benign for STKLD1-related condition. Last evaluated: 2022-08-10. Review status: no assertion criteria provided. Collection method: clinical testing. Allele origin: germline.
Comment: This variant is classified as likely benign based on ACMG/AMP sequence variant interpretation guidelines (Richards et al. 2015 PMID: 25741868, with internal and published modifications).

NM_153710.5(STKLD1):c.1294C>A (p.Leu432Ile)

Gene: STKLD1 (serine/threonine kinase like domain containing 1; plus strand). Cytogenetic location: 9q34.2.
Variant type: single nucleotide variant.
Coding change: c.1294C>A on transcript NM_153710.5 (MANE Select); coding-DNA position 1294, C replaced by A.
Protein change: p.Leu432Ile; replaces leucine 432 with isoleucine.
Molecular consequence: missense variant.
Genome position (GRCh38, 1-based): chr9:133,401,833, C>A. VCF-style: chr9-133401833-C-A. GRCh37 (hg19) VCF-style: chr9-136266962-C-A.
Other names: short protein forms L432I.
Identifiers: ClinVar variation 3054192 (VCV003054192.2), dbSNP rs150111949, ClinGen allele CA200867075.